The following is an entry in ClinVar:

ClinVar aggregate classification (germline): Pathogenic. Review status: criteria provided, multiple submitters, no conflicts (2 of 4 stars). 3 submissions from 3 submitters: Pathogenic (3). Last evaluated 2025-10-08.

Conditions:
Steroid-resistant nephrotic syndrome. Identifiers: MedGen C0403397, MONDO:0044765, HP:0012588.
Nephrotic syndrome, type 2 (NPHS2). Also called: NEPHROTIC SYNDROME, STEROID-RESISTANT, AUTOSOMAL RECESSIVE. Identifiers: Orphanet 656, MedGen C1868672, MONDO:0010974, OMIM 600995.

Submissions (3):

Natera, Inc.
Classification: Pathogenic for Steroid-resistant nephrotic syndrome. Last evaluated: 2025-10-08. Review status: criteria provided, single submitter. Criteria: Natera Variant Classification Schema (03/2026). Collection method: clinical testing. Allele origin: germline.
Comment: The c.738+1G>C variant in NPHS2 is a canonical splice donor site variant predicted to affect pre-mRNA splicing, which may result in an abnormal transcript and altered protein product. This variant is expected to result in nonsense mediated decay, truncation, or a dysfunctional protein product. This variant is rare in the general population with a frequency below the threshold expected for the associated phenotype(s). Another variant at this same site results in an alteration predicted to cause a similar molecular effect has been observed in individual(s) with the associated phenotype. Given the available evidence, this variant is classified as Pathogenic.

Myriad Genetics, Inc.
Classification: Pathogenic for Nephrotic syndrome, type 2. Last evaluated: 2025-07-22. Review status: criteria provided, single submitter. Criteria: Myriad Autosomal Dominant, Autosomal Recessive and X-Linked Classification Criteria (2023). Collection method: clinical testing. Allele origin: unknown.
Comment: NM_014625.2(NPHS2):c.738+1G>C is a variant in a canonical splice site classified as pathogenic in the context of nephrotic syndrome, NPHS2-related. c.738+1G>C has been observed in a case with relevant disease (PMID: 39698360). Relevant functional assessments of this variant are not available in the literature. c.738+1G>C has not been observed in referenced population frequency databases. In summary, NM_014625.2(NPHS2):c.738+1G>C is a variant in a canonical splice site that has been observed more frequently in cases with the relevant disease than in healthy populations. Please note: this variant was assessed in the context of healthy population screening.

Labcorp Genetics (formerly Invitae), Labcorp
Classification: Pathogenic. Last evaluated: 2022-11-01. Review status: criteria provided, single submitter. Criteria: Invitae Variant Classification Sherloc (09022015). Collection method: clinical testing. Allele origin: germline.
Comment: For these reasons, this variant has been classified as Pathogenic. Algorithms developed to predict the effect of sequence changes on RNA splicing suggest that this variant may disrupt the consensus splice site. Disruption of this splice site has been observed in individual(s) with steroid-resistant nephrotic syndrome (PMID: 28204945). In at least one individual the data is consistent with being in trans (on the opposite chromosome) from a pathogenic variant. This variant is not present in population databases (gnomAD no frequency). This sequence change affects a donor splice site in intron 5 of the NPHS2 gene. It is expected to disrupt RNA splicing. Variants that disrupt the donor or acceptor splice site typically lead to a loss of protein function (PMID: 16199547), and loss-of-function variants in NPHS2 are known to be pathogenic (PMID: 10742096, 14701729, 15253708, 23595123).

Literature cited by the submitters: PubMed 39698360 (cited by Myriad Genetics, Inc.); PubMed 28204945 (cited by Labcorp Genetics (formerly Invitae), Labcorp); PubMed 16199547 (cited by Labcorp Genetics (formerly Invitae), Labcorp); PubMed 10742096 (cited by Labcorp Genetics (formerly Invitae), Labcorp); PubMed 14701729 (cited by Labcorp Genetics (formerly Invitae), Labcorp); PubMed 15253708 (cited by Labcorp Genetics (formerly Invitae), Labcorp); PubMed 23595123 (cited by Labcorp Genetics (formerly Invitae), Labcorp).

NM_014625.4(NPHS2):c.738+1G>C

Gene: NPHS2 (NPHS2 stomatin family member, podocin; minus strand). Cytogenetic location: 1q25.2.
Variant type: single nucleotide variant.
Coding change: c.738+1G>C on transcript NM_014625.4 (MANE Select); the canonical splice donor site of the intron after coding-DNA position 738, G replaced by C.
Molecular consequence: splice donor variant. On other transcripts: intron variant (1).
Genome position (GRCh38, 1-based): chr1:179,557,026, C>G on the plus strand (G>C on the coding strand, the complement: NPHS2 is on the minus strand). VCF-style: chr1-179557026-C-G. GRCh37 (hg19) VCF-style: chr1-179526161-C-G.
Other names: c.535-2495G>C (NM_001297575.2); c.738+1G>C (NM_014625.3).
Identifiers: ClinVar variation 2030308 (VCV002030308.6), dbSNP rs1673954981, ClinGen allele CA343567356.